The following is an entry in ClinVar:

NM_004004.6(GJB2):c.238C>A (p.Gln80Lys)

Gene: GJB2 (gap junction protein beta 2; minus strand). Cytogenetic location: 13q12.11.
Variant type: single nucleotide variant.
Coding change: c.238C>A on transcript NM_004004.6 (MANE Select); coding-DNA position 238, C replaced by A.
Protein change: p.Gln80Lys; replaces glutamine 80 with lysine.
Molecular consequence: missense variant.
Genome position (GRCh38, 1-based): chr13:20,189,344, G>T on the plus strand (C>A on the coding strand, the complement: GJB2 is on the minus strand). VCF-style: chr13-20189344-G-T. GRCh37 (hg19) VCF-style: chr13-20763483-G-T.
Other names: c.238C>A (NM_004004.5); short protein forms Q80K.
Identifiers: ClinVar variation 1067767 (VCV001067767.12), dbSNP rs199883710, ClinGen allele CA387461563.

ClinVar aggregate classification (germline): Likely pathogenic. Review status: criteria provided, multiple submitters, no conflicts (2 of 4 stars). 3 submissions from 3 submitters: Likely pathogenic (3). Last evaluated 2025-10-06.

Conditions:
Autosomal recessive nonsyndromic hearing loss 1A (DFNB1A). Also called: Connexin 26 deafness; Deafness nonsyndromic, Connexin 26 linked; Nonsyndromic Hearing Loss and Deafness, DFNB1; GJB2-Related Autosomal Recessive Nonsyndromic Hearing Loss; GJB6-Related DFNB 1 Nonsyndromic Hearing Loss and Deafness; Deafness, autosomal recessive 1A. Identifiers: Orphanet 90636, MedGen C2673759, MONDO:0009076, OMIM 220290.

Submissions (3):

Natera, Inc.
Classification: Likely pathogenic for Autosomal recessive deafness type 1A. Last evaluated: 2025-10-06. Review status: criteria provided, single submitter. Criteria: Natera Variant Classification Schema (03/2026). Collection method: clinical testing. Allele origin: germline.
Comment: The c.238C>A variant in GJB2 is a missense variant predicted to cause substitution of glutamine to lysine at amino acid 80. This variant is rare in the general population with a frequency below the threshold expected for the associated phenotype(s). This variant has been observed in one or more individuals affected with the associated recessive disease, as either homozygous or compound heterozygous with a second variant (PMID: 15855033, 26188104, 34581455). A different variant at the same position has been determined to be Pathogenic or Likely Pathogenic. Computational prediction algorithms indicate this variant is likely to affect gene or protein function. Given the available evidence, this variant is classified as Likely Pathogenic.

Women's Health and Genetics/Laboratory Corporation of America, LabCorp
Classification: Likely pathogenic for Autosomal recessive nonsyndromic hearing loss 1A. Last evaluated: 2025-07-03. Review status: criteria provided, single submitter. Criteria: LabCorp Variant Classification Summary - May 2015. Collection method: clinical testing. Allele origin: germline.
Comment: Variant summary: GJB2 c.238C>A (p.Gln80Lys) results in a conservative amino acid change in the encoded protein sequence. Algorithms developed to predict the effect of missense changes on protein structure and function are either unavailable or do not agree on the potential impact of this missense change. The variant was absent in 251380 control chromosomes. c.238C>A has been observed in individuals affected with Autosomal Recessive Non-Syndromic Hearing Loss (e.g. Kalay_2005, Gruber_2016, Abbaspour Rodbaneh_2021). These data indicate that the variant may be associated with disease. To our knowledge, no experimental evidence demonstrating an impact on protein function has been reported. However, a different variant affecting the same codon has been classified as pathogenic by our lab (c.239A>C, p.Gln80Pro), supporting the critical relevance of codon 80 to GJB2 protein function. The following publications have been ascertained in the context of this evaluation (PMID: 34581455, 27466889, 15855033). ClinVar contains an entry for this variant (Variation ID: 1067767). Based on the evidence outlined above, the variant was classified as likely pathogenic.

Labcorp Genetics (formerly Invitae), Labcorp
Classification: Likely pathogenic. Last evaluated: 2020-10-16. Review status: criteria provided, single submitter. Criteria: Invitae Variant Classification Sherloc (09022015). Collection method: clinical testing. Allele origin: germline.
Comment: This variant disrupts the p.Gln80 amino acid residue in GJB2. Other variant(s) that disrupt this residue have been determined to be pathogenic (PMID: 30094485,16532460). This suggests that this residue is clinically significant, and that variants that disrupt this residue are likely to be disease-causing. In summary, the currently available evidence indicates that the variant is pathogenic, but additional data are needed to prove that conclusively. Therefore, this variant has been classified as Likely Pathogenic. This variant has been observed in individual(s) with autosomal recessive deafness (PMID: 15855033). In at least one individual the data is consistent with the variant being in trans (on the opposite chromosome) from a pathogenic variant. This variant is not present in population databases (ExAC no frequency). This sequence change replaces glutamine with lysine at codon 80 of the GJB2 protein (p.Gln80Lys). The glutamine residue is highly conserved and there is a small physicochemical difference between glutamine and lysine. Algorithms developed to predict the effect of missense changes on protein structure and function (SIFT, PolyPhen-2, Align-GVGD) all suggest that this variant is likely to be disruptive, but these predictions have not been confirmed by published functional studies and their clinical significance is uncertain.

Literature cited by the submitters: PubMed 15855033 (cited by 3 submitters); PubMed 26188104 (cited by Natera, Inc.); PubMed 34581455 (cited by Natera, Inc. and Women's Health and Genetics/Laboratory Corporation of America, LabCorp); PubMed 27466889 (cited by Women's Health and Genetics/Laboratory Corporation of America, LabCorp); PubMed 30094485 (cited by Labcorp Genetics (formerly Invitae), Labcorp); PubMed 16532460 (cited by Labcorp Genetics (formerly Invitae), Labcorp).